The following is an entry in ClinVar:

NM_000245.4(MET):c.620C>G (p.Pro207Arg)

Gene: MET (MET proto-oncogene, receptor tyrosine kinase; plus strand). Cytogenetic location: 7q31.2.
Variant type: single nucleotide variant.
Coding change: c.620C>G on transcript NM_000245.4 (MANE Select); coding-DNA position 620, C replaced by G.
Protein change: p.Pro207Arg; replaces proline 207 with arginine.
Molecular consequence: missense variant. On other transcripts: intron variant (1).
Genome position (GRCh38, 1-based): chr7:116,699,704, C>G. VCF-style: chr7-116699704-C-G. GRCh37 (hg19) VCF-style: chr7-116339758-C-G.
Other names: c.620C>G, p.Pro207Arg (NM_001127500.3, NM_001324401.3); c.-91+27127C>G (NM_001324402.2); short protein forms P207R.
Identifiers: ClinVar variation 1402039 (VCV001402039.8), dbSNP rs1246281148, ClinGen allele CA368969479.

ClinVar aggregate classification (germline): Uncertain significance (1 of 4 stars; one submission).

Conditions:
Renal cell carcinoma. Identifiers: Orphanet 217071, MedGen C0007134, MeSH D002292, MONDO:0005086, HP:0005584.

Allele frequency attached by ClinVar (database versions not stated): gnomAD exomes below 0.00001 and 0.00001.

Submission:

Labcorp Genetics (formerly Invitae), Labcorp
Classification: Uncertain significance for Renal cell carcinoma. Last evaluated: 2024-05-21. Review status: criteria provided, single submitter. Criteria: Invitae Variant Classification Sherloc (09022015). Collection method: clinical testing. Allele origin: germline.
Comment: This sequence change replaces proline, which is neutral and non-polar, with arginine, which is basic and polar, at codon 207 of the MET protein (p.Pro207Arg). This variant is present in population databases (no rsID available, gnomAD 0.006%). This variant has not been reported in the literature in individuals affected with MET-related conditions. ClinVar contains an entry for this variant (Variation ID: 1402039). Advanced modeling of protein sequence and biophysical properties (such as structural, functional, and spatial information, amino acid conservation, physicochemical variation, residue mobility, and thermodynamic stability) performed at Invitae indicates that this missense variant is not expected to disrupt MET protein function with a negative predictive value of 80%. In summary, the available evidence is currently insufficient to determine the role of this variant in disease. Therefore, it has been classified as a Variant of Uncertain Significance.